The following is an entry in ClinVar:

NM_000836.4(GRIN2D):c.413C>T (p.Ser138Leu)

Genes: GRIN2D (glutamate ionotropic receptor NMDA type subunit 2D; plus strand), LOC130064856 (ATAC-STARR-seq lymphoblastoid silent region 10880; plus strand). Cytogenetic location: 19q13.33.
Variant type: single nucleotide variant.
Coding change: c.413C>T on transcript NM_000836.4 (MANE Select); coding-DNA position 413, C replaced by T.
Protein change: p.Ser138Leu; replaces serine 138 with leucine.
Molecular consequence: missense variant.
Genome position (GRCh38, 1-based): chr19:48,398,805, C>T. VCF-style: chr19-48398805-C-T. GRCh37 (hg19) VCF-style: chr19-48902062-C-T.
Other names: short protein forms S138L.
Identifiers: ClinVar variation 2790684 (VCV002790684.3), dbSNP rs1024030742, ClinGen allele CA309325619.
Genomic context (GRCh38, chr19:48,398,805, plus strand): 5'-AAGACGACTCGCGCGCGCCCGCCGTCGCGCCCATCCTCGACTTCCTGTCGGCGCAGACCT[C>T]GCTGCCCATCGTGGCCGTGCACGGCGGCGCCGCGCTCGTGCTCACGCCCAAGGTGCGCGC-3'
Protein context (NP_000827.2, residues 128-148): PILDFLSAQT[Ser138Leu]LPIVAVHGGA

ClinVar aggregate classification (germline): Uncertain significance (1 of 4 stars; one submission).

Allele frequency attached by ClinVar (database versions not stated): TOPMed 0.00001; gnomAD 0.00002.
gnomAD v4.1: 36 of 1,451,930 alleles (0.0025%); highest among the groups gnomAD compares: Non-Finnish European, 0.0033%; no homozygotes.

Submission:

Labcorp Genetics (formerly Invitae), Labcorp
Classification: Uncertain significance. Last evaluated: 2025-11-09. Review status: criteria provided, single submitter. Criteria: Invitae Variant Classification Sherloc (09022015). Collection method: clinical testing. Allele origin: germline.
Comment: This sequence change replaces serine, which is neutral and polar, with leucine, which is neutral and non-polar, at codon 138 of the GRIN2D protein (p.Ser138Leu). This variant is present in population databases (no rsID available, gnomAD 0.004%). This missense change has been observed in individual(s) with clinical features of GRIN2D-related conditions (internal data). ClinVar contains an entry for this variant (Variation ID: 2790684). Invitae Evidence Modeling of protein sequence and biophysical properties (such as structural, functional, and spatial information, amino acid conservation, physicochemical variation, residue mobility, and thermodynamic stability) indicates that this missense variant is not expected to disrupt GRIN2D protein function with a negative predictive value of 80%. In summary, the available evidence is currently insufficient to determine the role of this variant in disease. Therefore, it has been classified as a Variant of Uncertain Significance.